The following is an entry in ClinVar:

ClinVar aggregate classification (germline): Uncertain significance (1 of 4 stars; one submission).

Allele frequency attached by ClinVar (database versions not stated): gnomAD 0.00001.

Submission:

Labcorp Genetics (formerly Invitae), Labcorp
Classification: Uncertain significance. Last evaluated: 2022-12-04. Review status: criteria provided, single submitter. Criteria: Invitae Variant Classification Sherloc (09022015). Collection method: clinical testing. Allele origin: germline.
Comment: This variant is not present in population databases (gnomAD no frequency). In summary, the available evidence is currently insufficient to determine the role of this variant in disease. Therefore, it has been classified as a Variant of Uncertain Significance. This variant has not been reported in the literature in individuals affected with POLR3F-related conditions. This sequence change affects codon 249 of the POLR3F mRNA. It is a 'silent' change, meaning that it does not change the encoded amino acid sequence of the POLR3F protein.

NM_006466.4(POLR3F):c.870C>T (p.Cys290=)

Gene: POLR3F (RNA polymerase III subunit F; plus strand). Cytogenetic location: 20p11.23.
Variant type: single nucleotide variant.
Coding change: c.870C>T on transcript NM_006466.4 (MANE Select); coding-DNA position 870, C replaced by T.
Protein change: p.Cys290=; no amino-acid change (cysteine 290 retained).
Molecular consequence: synonymous variant. On other transcripts: non-coding transcript variant (1).
Genome position (GRCh38, 1-based): chr20:18,481,807, C>T. VCF-style: chr20-18481807-C-T. GRCh37 (hg19) VCF-style: chr20-18462451-C-T.
Other names: c.747C>T, p.Cys249= (NM_001282526.2); c.726C>T, p.Cys242= (NM_001410821.1).
Identifiers: ClinVar variation 2793890 (VCV002793890.3), dbSNP rs1215940926, ClinGen allele CA509828965.